The following is an entry in ClinVar:

NM_001242896.3(DEPDC5):c.2052C>G (p.Asn684Lys)

Gene: DEPDC5 (DEP domain containing 5, GATOR1 subcomplex subunit; plus strand). Cytogenetic location: 22q12.3.
Variant type: single nucleotide variant.
Coding change: c.2052C>G on transcript NM_001242896.3 (MANE Select); coding-DNA position 2052, C replaced by G.
Protein change: p.Asn684Lys; replaces asparagine 684 with lysine.
Molecular consequence: missense variant. On other transcripts: non-coding transcript variant (4), intron variant (3).
Genome position (GRCh38, 1-based): chr22:31,822,738, C>G. VCF-style: chr22-31822738-C-G. GRCh37 (hg19) VCF-style: chr22-32218724-C-G.
Other names: c.2052C>G, p.Asn684Lys (NM_014662.6, NM_001136029.4, NM_001363852.2 and 3 more transcripts); c.1870+3513C>G (NM_001363854.2, NM_001242897.2, NM_001364319.2); c.1968C>G, p.Asn656Lys (NM_001369901.1, NM_001369902.1); short protein forms N656K, N684K.
Identifiers: ClinVar variation 4874678 (VCV004874678.2).
Genomic context (GRCh38, chr22:31,822,738, plus strand): 5'-CTCTGTTCTCTGCAGGCACAGCAATTCCCGCCAGCCTGGTGACGGCATGTCCTTCTTGAA[C>G]TTCAGTGGAACAGAGGAGCTTTCTGTCGGCCTGCTTAGCAACAGTGGTGCAGGTAACCAA-3'
Protein context (NP_001229825.1, residues 674-694): RQPGDGMSFL[Asn684Lys]FSGTEELSVG

ClinVar aggregate classification (germline): Likely benign (1 of 4 stars; one submission).

gnomAD v4.1: 11 of 1,614,172 alleles (0.00068%); highest among the groups gnomAD compares: South Asian, 0.0088%; 1 homozygote.

Submission:

CeGaT Center for Human Genetics Tuebingen
Classification: Likely benign. Last evaluated: 2026-04-01. Review status: criteria provided, single submitter. Criteria: CeGaT Center For Human Genetics Tuebingen Variant Classification Criteria Version 2. Collection method: clinical testing. Allele origin: germline. Affected: yes. Observed: 1 variant allele.
Comment: DEPDC5: BP4